The following is an entry in ClinVar:

NM_016111.4(TELO2):c.1049G>A (p.Arg350His)

Gene: TELO2 (telomere maintenance 2; plus strand). Cytogenetic location: 16p13.3.
Variant type: single nucleotide variant.
Coding change: c.1049G>A on transcript NM_016111.4 (MANE Select); coding-DNA position 1049, G replaced by A.
Protein change: p.Arg350His; replaces arginine 350 with histidine.
Molecular consequence: missense variant.
Genome position (GRCh38, 1-based): chr16:1,500,393, G>A. VCF-style: chr16-1500393-G-A. GRCh37 (hg19) VCF-style: chr16-1550394-G-A.
Other names: c.1049G>A, p.Arg350His (NM_001351846.2); c.1049G>A (NM_016111.3); short protein forms R350H.
Identifiers: ClinVar variation 2171154 (VCV002171154.5), dbSNP rs772191965, ClinGen allele CA7811923.
Genomic context (GRCh38, chr16:1,500,393, plus strand): 5'-CATGCCACCTGCAGGTGCTGAAGGAGCTGTTGGAGACGTGGGGCAGCAGCAGTGCCATCC[G>A]CCACACTCCCCTGCCGCAGCAGCGCCACGTCAGCAAGGCTGTCCTCATCTGCCTGGCGCA-3'
Protein context (NP_057195.2, residues 340-360): LETWGSSSAI[Arg350His]HTPLPQQRHV

ClinVar aggregate classification (germline): Uncertain significance. Review status: criteria provided, multiple submitters, no conflicts (2 of 4 stars). 2 submissions from 2 submitters: Uncertain significance (2). Last evaluated 2024-05-08.

Conditions:
Inborn genetic diseases. Identifiers: MedGen C0950123, MeSH D030342.

Allele frequency attached by ClinVar (database versions not stated): TOPMed 0.00002; gnomAD 0.00003; gnomAD exomes 0.00003; ExAC 0.00004.
gnomAD v4.1: 47 of 1,598,968 alleles (0.0029%); highest among the groups gnomAD compares: Non-Finnish European, 0.0034%; no homozygotes.

Submissions (2):

Ambry Genetics
Classification: Uncertain significance for Inborn genetic diseases. Last evaluated: 2024-05-08. Review status: criteria provided, single submitter. Criteria: Ambry Variant Classification Scheme 2023. Collection method: clinical testing. Allele origin: germline.

Labcorp Genetics (formerly Invitae), Labcorp
Classification: Uncertain significance. Last evaluated: 2022-02-22. Review status: criteria provided, single submitter. Criteria: Invitae Variant Classification Sherloc (09022015). Collection method: clinical testing. Allele origin: germline.
Comment: In summary, the available evidence is currently insufficient to determine the role of this variant in disease. Therefore, it has been classified as a Variant of Uncertain Significance. Algorithms developed to predict the effect of missense changes on protein structure and function are either unavailable or do not agree on the potential impact of this missense change (SIFT: "Deleterious"; PolyPhen-2: "Possibly Damaging"; Align-GVGD: "Class C0"). This variant has not been reported in the literature in individuals affected with TELO2-related conditions. The frequency data for this variant in the population databases is considered unreliable, as metrics indicate poor data quality at this position in the gnomAD database. This sequence change replaces arginine, which is basic and polar, with histidine, which is basic and polar, at codon 350 of the TELO2 protein (p.Arg350His).